The following is an entry in ClinVar:

ClinVar aggregate classification (germline): Uncertain significance. Review status: criteria provided, multiple submitters, no conflicts (2 of 4 stars). 7 submissions from 7 submitters: Uncertain significance (6). 1 of the submissions does not count toward it. Last evaluated 2025-11-18.

Conditions:
Hereditary cancer-predisposing syndrome. Also called: Hereditary Cancer Syndrome; Neoplastic Syndromes, Hereditary; Tumor predisposition; Hereditary neoplastic syndrome. Identifiers: Orphanet 140162, MedGen C0027672, MeSH D009386, MONDO:0015356.
Breast-ovarian cancer, familial, susceptibility to, 2 (BROVCA2). Also called: BRCA2 Hereditary Breast and Ovarian Cancer. Identifiers: Orphanet 145, MedGen C2675520, MONDO:0012933, OMIM 612555. Disease mechanism: loss of function.
Hereditary breast ovarian cancer syndrome. Also called: Hereditary breast and/or ovarian cancer syndrome; BRCA1- and BRCA2-Associated Hereditary Breast and Ovarian Cancer; Hereditary breast and ovarian cancer syndrome (HBOC); Hereditary breast and ovarian cancer; Hereditary breast and ovarian cancer syndrome; Breast and ovarian cancer. Identifiers: Orphanet 145, MedGen C0677776, MeSH D061325, MONDO:0003582. Disease mechanism: loss of function.
Malignant tumor of breast. Also called: Malignant breast neoplasm; Cancer breast. Identifiers: MedGen C0006142, MONDO:0007254. Disease mechanism: loss of function.

Allele frequency attached by ClinVar (database versions not stated): gnomAD exomes below 0.00001; TOPMed below 0.00001; gnomAD 0.00001.
gnomAD v4.1: 6 of 1,613,648 alleles (0.00037%); highest among the groups gnomAD compares: Non-Finnish European, 0.00051%; no homozygotes.

Submissions (7):

Ambry Genetics
Classification: Uncertain significance for Hereditary cancer-predisposing syndrome. Last evaluated: 2025-11-18. Review status: criteria provided, single submitter. Criteria: Ambry Variant Classification Scheme 2023. Collection method: clinical testing. Allele origin: germline.
Comment: The p.A2557T variant (also known as c.7669G>A), located in coding exon 15 of the BRCA2 gene, results from a G to A substitution at nucleotide position 7669. The alanine at codon 2557 is replaced by threonine, an amino acid with similar properties. This variant was identified in 2/250 high-risk Lebanese women with breast cancer (El Saghir NS et al. Oncologist, 2015 Apr;20:357-64). Two saturation genome editing-based studies, including a haploid cell-survival assay and a humanized mouse embryonic stem cell line assay of drug response and survival, demonstrate that this nucleotide substitution is functional (Huang H et al. Nature. 2025 Feb;638(8050):528-537; Sahu S et al. Nature. 2025 Feb;638(8050):538-545). However, another assay of homology directed repair activity found this variant to have an intermediate functional impact (Ambry internal data). This amino acid position is well conserved in available vertebrate species. In addition, this alteration is predicted to be deleterious by in silico analysis. Based on the available evidence, the clinical significance of this variant remains unclear.

Labcorp Genetics (formerly Invitae), Labcorp
Classification: Uncertain significance for Hereditary breast ovarian cancer syndrome. Last evaluated: 2024-11-11. Review status: criteria provided, single submitter. Criteria: Invitae Variant Classification Sherloc (09022015). Collection method: clinical testing. Allele origin: germline.
Comment: This sequence change replaces alanine, which is neutral and non-polar, with threonine, which is neutral and polar, at codon 2557 of the BRCA2 protein (p.Ala2557Thr). This variant is present in population databases (no rsID available, gnomAD 0.0009%). This missense change has been observed in individual(s) with breast and/or ovarian cancer (PMID: 25777348, 34326862). ClinVar contains an entry for this variant (Variation ID: 230545). Invitae Evidence Modeling of protein sequence and biophysical properties (such as structural, functional, and spatial information, amino acid conservation, physicochemical variation, residue mobility, and thermodynamic stability) has been performed for this missense variant. However, the output from this modeling did not meet the statistical confidence thresholds required to predict the impact of this variant on BRCA2 protein function. In summary, the available evidence is currently insufficient to determine the role of this variant in disease. Therefore, it has been classified as a Variant of Uncertain Significance.

All of Us Research Program, National Institutes of Health
Classification: Uncertain significance for Breast-ovarian cancer, familial, susceptibility to, 2. Last evaluated: 2023-10-23. Review status: criteria provided, single submitter. Criteria: ACMG Guidelines, 2015. Collection method: clinical testing. Allele origin: germline. Inheritance: Autosomal dominant inheritance. Observed: 1 variant allele, 1 heterozygote.
Comment: This missense variant replaces alanine with threonine at codon 2557 of the BRCA2 protein. Computational prediction suggests that this variant may have deleterious impact on protein structure and function (internally defined REVEL score threshold >= 0.7, PMID: 27666373). To our knowledge, functional studies have not been reported for this variant. This variant has been reported in two related individuals affected with breast cancer (PMID: 25777348). This variant has been identified in 1/251226 chromosomes in the general population by the Genome Aggregation Database (gnomAD). The available evidence is insufficient to determine the role of this variant in disease conclusively. Therefore, this variant is classified as a Variant of Uncertain Significance.

This study involves interpretation of variants in research participants for the purpose of population health screening. Participant phenotype was not available at the time of variant classification. Additional details can be found in publication PMID: 35346344, PMCID: PMC8962531

Color Diagnostics, LLC DBA Color Health
Classification: Uncertain significance for Hereditary cancer-predisposing syndrome. Last evaluated: 2022-12-13. Review status: criteria provided, single submitter. Criteria: ACMG Guidelines, 2015. Collection method: clinical testing. Allele origin: germline.
Comment: This missense variant replaces alanine with threonine at codon 2557 of the BRCA2 protein. Computational prediction suggests that this variant may have deleterious impact on protein structure and function (internally defined REVEL score threshold >= 0.7, PMID: 27666373). To our knowledge, functional studies have not been reported for this variant. This variant has been reported in two related individuals affected with breast cancer (PMID: 25777348). This variant has been identified in 1/251226 chromosomes in the general population by the Genome Aggregation Database (gnomAD). The available evidence is insufficient to determine the role of this variant in disease conclusively. Therefore, this variant is classified as a Variant of Uncertain Significance.

Institute for Clinical Genetics, University Hospital TU Dresden, University Hospital TU Dresden
Classification: Uncertain significance. Last evaluated: 2021-11-03. Review status: criteria provided, single submitter. Criteria: ACMG Guidelines, 2015. Collection method: clinical testing. Allele origin: germline.

GeneDx
Classification: Uncertain significance. Last evaluated: 2019-10-29. Review status: criteria provided, single submitter. Criteria: GeneDx Variant Classification Process June 2021. Collection method: clinical testing. Allele origin: germline. Affected: yes.
Comment: Observed in individuals with a personal or family history including breast cancer (El Saghir 2015); In silico analysis, which includes protein predictors and evolutionary conservation, supports that this variant does not alter protein structure/function; Not observed at a significant frequency in large population cohorts (Lek 2016); Also known as 7897G>A; This variant is associated with the following publications: (PMID: 25777348)

Department of Pathology and Laboratory Medicine, Sinai Health System
Classification: Uncertain significance for Malignant tumor of breast. Review status: no assertion criteria provided. Collection method: clinical testing. Allele origin: unknown. Affected: yes. Observed: 1 variant allele. Study: The Canadian Open Genetics Repository (COGR). Not counted in ClinVar's aggregate classification.
Comment: The BRCA2 p.Ala2557Thr was not identified in the literature, nor was it identified in the dbSNP, NHLBI Exome Sequencing Project (Exome Variant Server), Exome Aggregation Consortium (ExAC), Fanconi Anemia Mutation Database (LOVD), COSMIC, ClinVar, Clinvitae, ARUP Laboratories BRCA Mutations Database, GeneInsight COGR, BIC or BRCA Share. Although the p.Ala2557 residue is not conserved in mammals, computational analyses (PolyPhen-2, SIFT, AlignGVGD, BLOSUM, MutationTaster) suggest that the p.Ala2557Thr variant may impact the protein. The variant occurs outside of the splicing consensus sequence and in silico or computational prediction software programs (SpliceSiteFinder, MaxEntScan, NNSPLICE, GeneSplicer, HumanSpliceFinder) do not predict a difference in splicing. In summary, based on the above information, the clinical significance of this variant cannot be determined with certainty at this time. This variant is classified as a variant of uncertain significance.

Literature cited by the submitters: PubMed 25777348 (cited by 4 submitters); PubMed 39779848 (cited by Ambry Genetics); PubMed 39779857 (cited by Ambry Genetics); PubMed 34326862 (cited by Labcorp Genetics (formerly Invitae), Labcorp).

NM_000059.4(BRCA2):c.7669G>A (p.Ala2557Thr)

Gene: BRCA2 (BRCA2 DNA repair associated; plus strand). Cytogenetic location: 13q13.1.
Variant type: single nucleotide variant.
Coding change: c.7669G>A on transcript NM_000059.4 (MANE Select); coding-DNA position 7669, G replaced by A.
Protein change: p.Ala2557Thr; replaces alanine 2557 with threonine.
Molecular consequence: missense variant.
Genome position (GRCh38, 1-based): chr13:32,357,793, G>A. VCF-style: chr13-32357793-G-A. GRCh37 (hg19) VCF-style: chr13-32931930-G-A.
Other names: short protein forms A2557T.
Identifiers: ClinVar variation 230545 (VCV000230545.30), dbSNP rs876658624, ClinGen allele CA10579747.
Genomic context (GRCh38, chr13:32,357,793, plus strand): 5'-TTTGTGTAGCTGTATACGTATGGCGTTTCTAAACATTGCATAAAAATTAACAGCAAAAAT[G>A]CAGAGTCTTTTCAGTTTCACACTGAAGATTATTTTGGTAAGGAAAGTTTATGGACTGGAA-3'
Protein context (NP_000050.3, residues 2547-2567): KHCIKINSKN[Ala2557Thr]ESFQFHTEDY